The following is an entry in ClinVar:

ClinVar aggregate classification (germline): Pathogenic. Review status: criteria provided, multiple submitters, no conflicts (2 of 4 stars). 8 submissions from 8 submitters: Pathogenic (8). Last evaluated 2026-08-01.

Conditions:
SERPING1-related disorder. Also called: SERPING1-related condition.
Hereditary angioedema type 1 (HAE1). Identifiers: Orphanet 100050, Orphanet 100051, Orphanet 91378, MedGen C2717906, MONDO:0015053, OMIM 106100.

gnomAD v4.1: 1 of 1,613,940 alleles (0.000062%); highest among the groups gnomAD compares: Non-Finnish European, 0.000085%; no homozygotes.

Submissions (8):

CeGaT Center for Human Genetics Tuebingen
Classification: Pathogenic. Last evaluated: 2026-08-01. Review status: criteria provided, single submitter. Criteria: CeGaT Center For Human Genetics Tuebingen Variant Classification Criteria Version 2. Collection method: clinical testing. Allele origin: germline. Affected: yes. Observed: 1 variant allele.
Comment: SERPING1: PS4, PM2, PVS1:Moderate, PP1, PP4

PreventionGenetics, part of Exact Sciences
Classification: Pathogenic for SERPING1-related condition. Last evaluated: 2026-06-01. Review status: criteria provided, single submitter. Criteria: ACMG Guidelines, 2015. Collection method: clinical testing. Allele origin: germline.
Comment: The SERPING1 c.1480C>T variant is predicted to result in premature protein termination (p.Arg494*). This variant is located in the final coding exon of the SERPING1 gene (also known as C1-INH) and is not expected to cause nonsense-mediated decay but is expected to produce a truncated protein lacking 7 C-terminal amino acids. This variant, also described as p.Arg472* using legacy nomenclature, has been reported in the heterozygous state in multiple individuals and families with hereditary angioedema due to C1 inhibitor deficiency (HAE-C1-INH; Verpy et al. 1995. PubMed ID: 7814636; Serpa et al. 2018. PubMed ID: 30508583; Nabilou et al 2020. PubMed ID: 32896191; Hashimura et al. 2021. PubMed ID: 34343365; Wang et al. 2022. PubMed ID: 35821062). This variant and a second variant in the PLG gene (c.988A>G, p.Lys330Glu) were both shown to co-segregate with disease in a large family with two different forms of HAE; some family members only carried the SERPING1 variant, others only carried the PLG variant, and two affected siblings were double heterozygotes for both variants (Bork et al. 2020. PubMed ID: 32065705). In vitro experimental studies in transfected COS7 cells demonstrated that this variant results in absent protein secretion due to ER retention and protein degradation (Verpy et al. 1995. PubMed ID: 7814636). This variant has not been reported in a large population database (gnomAD), indicating this variant is rare. Taken together, this variant is interpreted as pathogenic.

Labcorp Genetics (formerly Invitae), Labcorp
Classification: Pathogenic. Last evaluated: 2025-11-03. Review status: criteria provided, single submitter. Criteria: Invitae Variant Classification Sherloc (09022015). Collection method: clinical testing. Allele origin: germline.
Comment: This sequence change creates a premature translational stop signal (p.Arg494*) in the SERPING1 gene. While this is not anticipated to result in nonsense mediated decay, it is expected to disrupt the last 7 amino acid(s) of the SERPING1 protein. This variant is not present in population databases (gnomAD no frequency). This premature translational stop signal has been observed in individuals with hereditary angioedema (PMID: 8755917, 30508583, 32065705). It has also been observed to segregate with disease in related individuals. This variant is also known as R472Stop and the SERPING1 gene is also known as C1INH. ClinVar contains an entry for this variant (Variation ID: 626347). Algorithms developed to predict the effect of sequence changes on RNA splicing suggest that this variant may create or strengthen a splice site. For these reasons, this variant has been classified as Pathogenic.

Genomic Medicine Center of Excellence, King Faisal Specialist Hospital and Research Centre
Classification: Pathogenic for Hereditary angioedema type 1. Last evaluated: 2024-04-04. Review status: criteria provided, single submitter. Criteria: ACMG Guidelines, 2015. Collection method: clinical testing. Allele origin: germline.

GeneDx
Classification: Pathogenic. Last evaluated: 2024-03-07. Review status: criteria provided, single submitter. Criteria: GeneDx Variant Classification Process June 2021. Collection method: clinical testing. Allele origin: germline. Affected: yes.
Comment: Published functional studies demonstrate a damaging effect with blocked protein secretion and intracellular degradation (PMID: 7814636); Nonsense variant predicted to result in protein truncation, as the last 7 amino acids are lost, and other loss-of-function variants have been reported downstream in HGMD; Not observed at significant frequency in large population cohorts (gnomAD); Also known as p.R472X; This variant is associated with the following publications: (PMID: 24552232, 18586324, 20804470, 26812872, 14635117, 24456027, 8755917, 30508583, 32065705, 30556912, 32896191, 7814636, 12402344)

Blueprint Genetics
Classification: Pathogenic for SERPING1-related disorders. Last evaluated: 2023-09-29. Review status: criteria provided, single submitter. Criteria: ACMG Guidelines, 2015. Collection method: clinical testing. Allele origin: germline. Affected: yes. Observed: 3 variant alleles.

Baylor Genetics
Classification: Pathogenic for Hereditary angioedema type 1. Last evaluated: 2019-10-07. Review status: criteria provided, single submitter. Criteria: ACMG Guidelines, 2015. Collection method: clinical testing. Allele origin: unknown. Affected: yes.
Comment: This variant was determined to be pathogenic according to ACMG Guidelines, 2015 [PMID:25741868]. This variant has been previously reported in two affected patients as disease-causing [PMID: 8755917]

Department of Immunology and Histocompatibility, University of Thessaly
Classification: Pathogenic for Hereditary angioedema type 1. Review status: criteria provided, single submitter. Criteria: ACMG Guidelines, 2015. Collection method: clinical testing. Allele origin: germline. Affected: yes. Observed: 1 variant allele.
Comment: The c.1480C>T (p.Arg494Ter, rs922149386) variant has been previously reported in association with hereditary angioedema in the literature (Verpy et al.,1995; Kalmar et al., 2003, Loules et al., 2018), in HAEdb and it is also submitted in NCBI and Ensembl databases, without available data regarding the pathogenicity. It causes an interruption of the reading frame by formation of a premature stop codon in exon 8 and results in a truncated protein. The variant has not been detected in approximately 120000 individuals of the Exome Aggregation Consortium (ExAC) nor in 1000Genome Project, indicating that it is not a common variant. Taking all the above into account and according to ACMG Guidelines (Criteria: PVS1, PM2, PP4, PP5) the variant is considered pathogenic.

Literature cited by the submitters: PubMed 8755917 (cited by Labcorp Genetics (formerly Invitae), Labcorp and Baylor Genetics); PubMed 30508583 (cited by Labcorp Genetics (formerly Invitae), Labcorp); PubMed 32065705 (cited by Labcorp Genetics (formerly Invitae), Labcorp); PubMed 29753808 (cited by Department of Immunology and Histocompatibility, University of Thessaly).

NM_000062.3(SERPING1):c.1480C>T (p.Arg494Ter)

Gene: SERPING1 (serpin family G member 1; plus strand). Cytogenetic location: 11q12.1.
Variant type: single nucleotide variant.
Coding change: c.1480C>T on transcript NM_000062.3 (MANE Select); coding-DNA position 1480, C replaced by T.
Protein change: p.Arg494Ter; replaces arginine 494 with a stop codon.
Molecular consequence: nonsense.
Genome position (GRCh38, 1-based): chr11:57,614,558, C>T. VCF-style: chr11-57614558-C-T. GRCh37 (hg19) VCF-style: chr11-57382031-C-T.
Other names: c.1480C>T, p.Arg494Ter (NM_001032295.2); short protein forms R494*.
Identifiers: ClinVar variation 626347 (VCV000626347.16), dbSNP rs922149386, ClinGen allele CA223024398.